The following is an entry in ClinVar:

ClinVar aggregate classification (germline): Conflicting classifications of pathogenicity. Review status: criteria provided, conflicting classifications (1 of 4 stars). 3 submissions from 3 submitters: Uncertain significance (2); Likely benign (1). Last evaluated 2025-03-04.

Conditions:
Hereditary cancer-predisposing syndrome. Also called: Tumor predisposition; Hereditary neoplastic syndrome; Neoplastic Syndromes, Hereditary; Hereditary Cancer Syndrome. Identifiers: Orphanet 140162, MedGen C0027672, MeSH D009386, MONDO:0015356.

gnomAD v4.1: 3 of 1,613,712 alleles (0.00019%); highest among the groups gnomAD compares: South Asian, 0.0011%; no homozygotes.

Submissions (3):

Ambry Genetics
Classification: Likely benign for Hereditary cancer-predisposing syndrome. Last evaluated: 2025-03-04. Review status: criteria provided, single submitter. Criteria: Ambry Variant Classification Scheme 2023. Collection method: clinical testing. Allele origin: germline.

Labcorp Genetics (formerly Invitae), Labcorp
Classification: Uncertain significance. Last evaluated: 2024-03-28. Review status: criteria provided, single submitter. Criteria: Invitae Variant Classification Sherloc (09022015). Collection method: clinical testing. Allele origin: germline.
Comment: This sequence change replaces proline, which is neutral and non-polar, with histidine, which is basic and polar, at codon 1549 of the POLE protein (p.Pro1549His). This variant is present in population databases (no rsID available, gnomAD 0.0009%). This variant has not been reported in the literature in individuals affected with POLE-related conditions. ClinVar contains an entry for this variant (Variation ID: 856493). Advanced modeling of protein sequence and biophysical properties (such as structural, functional, and spatial information, amino acid conservation, physicochemical variation, residue mobility, and thermodynamic stability) performed at Invitae indicates that this missense variant is not expected to disrupt POLE protein function with a negative predictive value of 80%. In summary, the available evidence is currently insufficient to determine the role of this variant in disease. Therefore, it has been classified as a Variant of Uncertain Significance.

GeneDx
Classification: Uncertain significance. Last evaluated: 2022-12-14. Review status: criteria provided, single submitter. Criteria: GeneDx Variant Classification Process June 2021. Collection method: clinical testing. Allele origin: germline. Affected: yes.
Comment: Not observed at significant frequency in large population cohorts (gnomAD); In silico analysis supports that this missense variant does not alter protein structure/function; Has not been previously published as pathogenic or benign to our knowledge

NM_006231.4(POLE):c.4646C>A (p.Pro1549His)

Gene: POLE (DNA polymerase epsilon, catalytic subunit; minus strand). Cytogenetic location: 12q24.33.
Variant type: single nucleotide variant.
Coding change: c.4646C>A on transcript NM_006231.4 (MANE Select); coding-DNA position 4646, C replaced by A.
Protein change: p.Pro1549His; replaces proline 1549 with histidine.
Molecular consequence: missense variant.
Genome position (GRCh38, 1-based): chr12:132,642,902, G>T on the plus strand (C>A on the coding strand, the complement: POLE is on the minus strand). VCF-style: chr12-132642902-G-T. GRCh37 (hg19) VCF-style: chr12-133219488-G-T.
Other names: c.4646C>A (NM_006231.2); short protein forms P1549H.
Identifiers: ClinVar variation 856493 (VCV000856493.9), dbSNP rs577952179, ClinGen allele CA387379024.